The following is an entry in ClinVar:

ClinVar aggregate classification (germline): Likely benign (1 of 4 stars; one submission).

Conditions:
Intellectual developmental disorder, autosomal dominant 33. Also called: Intellectual disability, autosomal dominant 33. Identifiers: MedGen C4225375, MONDO:0014580, OMIM 616311.

gnomAD v4.1: 19 of 1,498,960 alleles (0.0013%); highest among the groups gnomAD compares: South Asian, 0.026%; no homozygotes.

Submission:

Centre for Medical Genetics,  Mumbai
Classification: Likely benign for Intellectual developmental disorder, autosomal dominant 33. Last evaluated: 2026-02-09. Review status: criteria provided, single submitter. Criteria: ACMG Guidelines, 2015. Collection method: provider interpretation. Allele origin: germline. Inheritance: Autosomal dominant inheritance. Affected: no. Observed: 1 heterozygote.
Comment: The variant satisfies PM2 criteria; Extremely low frequency in gnomAD population databases. However, the variant satisfies BS2 criteria.

Literature cited by the submitters: PubMed 23832105.

NM_130797.4(DPP6):c.1299+94C>T

Gene: DPP6 (dipeptidyl peptidase like 6; plus strand). Cytogenetic location: 7q36.2.
Variant type: single nucleotide variant.
Coding change: c.1299+94C>T on transcript NM_130797.4 (MANE Select); 94 bases into the intron after coding-DNA position 1299, C replaced by T.
Molecular consequence: intron variant. On other transcripts: nonsense (1).
Genome position (GRCh38, 1-based): chr7:154,795,977, C>T. VCF-style: chr7-154795977-C-T. GRCh37 (hg19) VCF-style: chr7-154587687-C-T.
Other names: c.1201C>T, p.Gln401Ter (NM_001364501.2); c.1116+94C>T (NM_001364500.2, NM_001364499.2, NM_001364497.2 and 1 more transcripts); c.1107+94C>T (NM_001039350.3); c.1113+94C>T (NM_001936.5); c.978+94C>T (NM_001290252.2); short protein forms Q401*.
Identifiers: ClinVar variation 4759215 (VCV004759215.1).